The following is an entry in ClinVar:

ClinVar aggregate classification (germline): Benign (1 of 4 stars; one submission).

Allele frequency attached by ClinVar (database versions not stated): TOPMed 0.54683; gnomAD 0.55596; 1000 Genomes Project 30x 0.60119; 1000 Genomes Project 0.61222.
gnomAD v4.1: 84,215 of 151,964 alleles (55%); highest among the groups gnomAD compares: East Asian, 88%; 25,399 homozygotes.

Submission:

GeneDx
Classification: Benign. Last evaluated: 2018-06-15. Review status: criteria provided, single submitter. Criteria: GeneDx Variant Classification (06012015). Collection method: clinical testing. Allele origin: germline. Affected: yes.
Comment: This variant is considered likely benign or benign based on one or more of the following criteria: it is a conservative change, it occurs at a poorly conserved position in the protein, it is predicted to be benign by multiple in silico algorithms, and/or has population frequency not consistent with disease.

NM_001035.3(RYR2):c.13477-184G>C

Gene: RYR2 (ryanodine receptor 2; plus strand). Cytogenetic location: 1q43.
Variant type: single nucleotide variant.
Coding change: c.13477-184G>C on transcript NM_001035.3 (MANE Select); 184 bases into the intron before coding-DNA position 13477, G replaced by C.
Molecular consequence: intron variant.
Genome position (GRCh38, 1-based): chr1:237,791,245, G>C. VCF-style: chr1-237791245-G-C. GRCh37 (hg19) VCF-style: chr1-237954545-G-C.
Identifiers: ClinVar variation 672161 (VCV000672161.1), dbSNP rs790904, ClinGen allele CA10827258.
Genomic context (GRCh38, chr1:237,791,245, plus strand): 5'-TAGCATTTAACATTCTCTGAAATTATGTTTTTCACTTGCGGGTATGCTTTTTTATTCTTT[G>C]TCTCCTCCATGGTGGCAGAAATGTTCTCCCTCACTTTTAGGTCTGCAGCACCAAGAATGG-3'